The following is an entry in ClinVar:

ClinVar aggregate classification (germline): Benign/Likely benign. Review status: criteria provided, multiple submitters, no conflicts (2 of 4 stars). 3 submissions from 3 submitters: Benign (1); Likely benign (1). 1 of the submissions does not count toward it. Last evaluated 2025-09-04.

Conditions:
RERE-related disorder. Also called: RERE-Related Disorders; RERE-related condition. Identifiers: MedGen CN381537.

Allele frequency attached by ClinVar (database versions not stated): gnomAD 0.00001; gnomAD exomes 0.00001; ExAC 0.00002; TOPMed 0.00002.
gnomAD v4.1: 10 of 1,611,594 alleles (0.00062%); highest among the groups gnomAD compares: East Asian, 0.022%; no homozygotes.

Submissions (3):

Women's Health and Genetics/Laboratory Corporation of America, LabCorp
Classification: Likely benign. Last evaluated: 2025-09-04. Review status: criteria provided, single submitter. Criteria: LabCorp Variant Classification Summary - May 2015. Collection method: clinical testing. Allele origin: germline.

Labcorp Genetics (formerly Invitae), Labcorp
Classification: Benign. Last evaluated: 2024-08-20. Review status: criteria provided, single submitter. Criteria: Invitae Variant Classification Sherloc (09022015). Collection method: clinical testing. Allele origin: germline.

PreventionGenetics, part of Exact Sciences
Classification: Likely benign for RERE-related condition. Last evaluated: 2019-04-01. Review status: no assertion criteria provided. Collection method: clinical testing. Allele origin: germline. Not counted in ClinVar's aggregate classification.
Comment: This variant is classified as likely benign based on ACMG/AMP sequence variant interpretation guidelines (Richards et al. 2015 PMID: 25741868, with internal and published modifications).

NM_001042681.2(RERE):c.1272C>T (p.Pro424=)

Gene: RERE (arginine-glutamic acid dipeptide repeats; minus strand). Cytogenetic location: 1p36.23.
Variant type: single nucleotide variant.
Coding change: c.1272C>T on transcript NM_001042681.2 (MANE Select); coding-DNA position 1272, C replaced by T.
Protein change: p.Pro424=; no amino-acid change (proline 424 retained).
Molecular consequence: synonymous variant. On other transcripts: 5 prime UTR variant (1).
Genome position (GRCh38, 1-based): chr1:8,422,739, G>A on the plus strand (C>T on the coding strand, the complement: RERE is on the minus strand). VCF-style: chr1-8422739-G-A. GRCh37 (hg19) VCF-style: chr1-8482799-G-A.
Other names: c.-391C>T (NM_001042682.2); c.1272C>T, p.Pro424= (NM_012102.4).
Identifiers: ClinVar variation 3057888 (VCV003057888.5), dbSNP rs77753506, ClinGen allele CA571792.